The following is an entry in ClinVar:

ClinVar aggregate classification (germline): Uncertain significance (1 of 4 stars; one submission).

Submission:

GeneDx
Classification: Uncertain significance. Last evaluated: 2024-11-26. Review status: criteria provided, single submitter. Criteria: GeneDx Variant Classification Process June 2021. Collection method: clinical testing. Allele origin: germline. Affected: yes.
Comment: In-frame deletion of 1 amino acid in a non-repeat region; Not observed at significant frequency in large population cohorts (gnomAD); In silico analysis supports a deleterious effect on protein structure/function; Has not been previously published as pathogenic or benign to our knowledge

NM_001005273.3(CHD3):c.172_174del (p.Lys58del)

Gene: CHD3 (chromodomain helicase DNA binding protein 3; plus strand). Cytogenetic location: 17p13.1.
Variant type: Deletion.
Coding change: c.172_174del on transcript NM_001005273.3 (MANE Select); coding-DNA positions 172 to 174, 3 bases deleted (AAG; older notation c.172_174delAAG).
Protein change: p.Lys58del; deletes lysine 58.
Genome position (GRCh38, 1-based): chr17:7,889,735-7,889,737, AAG deleted; deleting any 3 consecutive bases within chr17:7,889,733-7,889,737 gives the same sequence; the c. name uses the placement nearest the transcript's 3' end. VCF-style (leftmost placement, unchanged base first): chr17-7889732-CAGA-C. GRCh37 (hg19) VCF-style: chr17-7793050-CAGA-C.
Other names: c.349_351del, p.Lys117del (NM_001005271.3); c.172_174del, p.Lys58del (NM_005852.4); short protein forms K117del, K58del.
Identifiers: ClinVar variation 3900842 (VCV003900842.1).